The following is an entry in ClinVar:

ClinVar aggregate classification (germline): Benign/Likely benign. Review status: criteria provided, multiple submitters, no conflicts (2 of 4 stars). 2 submissions from 2 submitters: Benign (1); Likely benign (1). Last evaluated 2024-11-15.

Conditions:
Papillary renal cell carcinoma type 1 (RCCP1). Also called: RENAL CELL CARCINOMA, PAPILLARY, 1, SOMATIC; Renal adenocarcinoma; Renal cell carcinoma 1; Renal cell carcinoma, somatic. Identifiers: Orphanet 47044, MedGen C1336839, OMIM 605074, HP:0011797.
Hereditary cancer-predisposing syndrome. Also called: Tumor predisposition; Hereditary Cancer Syndrome; Hereditary neoplastic syndrome; Neoplastic Syndromes, Hereditary. Identifiers: Orphanet 140162, MedGen C0027672, MeSH D009386, MONDO:0015356.

gnomAD v4.1: 1 of 1,613,100 alleles (0.000062%); highest among the groups gnomAD compares: Non-Finnish European, 0.000085%; no homozygotes.

Submissions (2):

Myriad Genetics, Inc.
Classification: Benign for Papillary renal cell carcinoma type 1. Last evaluated: 2024-11-15. Review status: criteria provided, single submitter. Criteria: Myriad Autosomal Dominant, Autosomal Recessive and X-Linked Classification Criteria (2023). Collection method: clinical testing. Allele origin: unknown.
Comment: This variant is considered benign. This variant is a silent/synonymous amino acid change and it is not expected to impact splicing.

Ambry Genetics
Classification: Likely benign for Hereditary cancer-predisposing syndrome. Last evaluated: 2024-05-10. Review status: criteria provided, single submitter. Criteria: Ambry Variant Classification Scheme 2023. Collection method: clinical testing. Allele origin: germline.

NM_000245.4(MET):c.4173G>A (p.Ter1391=)

Gene: MET (MET proto-oncogene, receptor tyrosine kinase; plus strand). Cytogenetic location: 7q31.2.
Variant type: single nucleotide variant.
Coding change: c.4173G>A on transcript NM_000245.4 (MANE Select); coding-DNA position 4173, G replaced by A.
Protein change: p.Ter1391=.
Molecular consequence: synonymous variant.
Genome position (GRCh38, 1-based): chr7:116,796,124, G>A. VCF-style: chr7-116796124-G-A. GRCh37 (hg19) VCF-style: chr7-116436178-G-A.
Other names: c.4227G>A, p.Ter1409= (NM_001127500.3); c.2883G>A, p.Ter961= (NM_001324402.2).
Identifiers: ClinVar variation 3294357 (VCV003294357.2).